The following is an entry in ClinVar:

NM_000178.4(GSS):c.1103_1104del (p.Glu368fs)

Gene: GSS (glutathione synthetase; minus strand). Cytogenetic location: 20q11.22.
Variant type: Microsatellite.
Coding change: c.1103_1104del on transcript NM_000178.4 (MANE Select); coding-DNA positions 1103 to 1104, 2 bases deleted (AG; older notation c.1103_1104delAG).
Protein change: p.Glu368fs; shifts the reading frame from glutamic acid 368.
Molecular consequence: frameshift variant.
Genome position (GRCh38, 1-based): chr20:34,931,343-34,931,344, CT deleted on the plus strand (AG on the coding strand, the reverse complement: GSS is on the minus strand); deleting any 2 consecutive bases within chr20:34,931,343-34,931,350 gives the same sequence; the c. name uses the placement nearest the transcript's 3' end. VCF-style (leftmost placement, unchanged base first): chr20-34931342-CCT-C. GRCh37 (hg19) VCF-style: chr20-33519145-CCT-C.
Other names: c.1103_1104del, p.Glu368fs (NM_001322494.1, NM_001322495.1); short protein forms E368fs.
Identifiers: ClinVar variation 2714497 (VCV002714497.3), dbSNP rs2519019498, ClinGen allele CA2697547357.
Genomic context (GRCh38, chr20:34,931,342, plus strand): 5'-CACAGCCTGCTAGTCCCTCTCATTGAGGAGCCCTGCAAAGGGAGATCCACCTACCTCCAC[CCT>C]CTCTCTGGGGCTTTAGCACAAACCGGCTAGGGGCAGCAAGGGCCTCGGCGATGGCCTGGT-3'

ClinVar aggregate classification (germline): Pathogenic (1 of 4 stars; one submission).

Conditions:
Glutathione synthetase deficiency with 5-oxoprolinuria. Also called: PYROGLUTAMIC ACIDURIA; 5-Oxoprolinuria; Reduced glutathione synthetase level; Gluthathione synthetase deficiency; 5-OXOPROLINURIA DUE TO GLUTATHIONE SYNTHETASE DEFICIENCY. Identifiers: Orphanet 289846, MedGen C0398746, MONDO:0009947, OMIM 266130, HP:0003343.

Submission:

Labcorp Genetics (formerly Invitae), Labcorp
Classification: Pathogenic for Glutathione synthetase deficiency with 5-oxoprolinuria. Last evaluated: 2024-01-31. Review status: criteria provided, single submitter. Criteria: Invitae Variant Classification Sherloc (09022015). Collection method: clinical testing. Allele origin: germline.
Comment: This sequence change creates a premature translational stop signal (p.Glu368Glyfs*4) in the GSS gene. It is expected to result in an absent or disrupted protein product. Loss-of-function variants in GSS are known to be pathogenic (PMID: 12638941, 15717202). This variant is not present in population databases (gnomAD no frequency). This variant has not been reported in the literature in individuals affected with GSS-related conditions. For these reasons, this variant has been classified as Pathogenic.

Literature cited by the submitters: PubMed 12638941; PubMed 15717202.